The following is an entry in ClinVar:

NM_001160372.4(TRAPPC9):c.1618G>A (p.Val540Ile)

Gene: TRAPPC9 (trafficking protein particle complex subunit 9; minus strand). Cytogenetic location: 8q24.3.
Variant type: single nucleotide variant.
Coding change: c.1618G>A on transcript NM_001160372.4 (MANE Select); coding-DNA position 1618, G replaced by A.
Protein change: p.Val540Ile; replaces valine 540 with isoleucine.
Molecular consequence: missense variant. On other transcripts: non-coding transcript variant (1).
Genome position (GRCh38, 1-based): chr8:140,311,252, C>T on the plus strand (G>A on the coding strand, the complement: TRAPPC9 is on the minus strand). VCF-style: chr8-140311252-C-T. GRCh37 (hg19) VCF-style: chr8-141321351-C-T.
Other names: c.1591G>A, p.Val531Ile (NM_001321646.2); c.1639G>A, p.Val547Ile (NM_001374682.1); c.1618G>A, p.Val540Ile (NM_001374683.1, NM_031466.8); c.1474G>A, p.Val492Ile (NM_001374684.1); short protein forms V540I, V547I, V531I, V492I.
Identifiers: ClinVar variation 1782527 (VCV001782527.7), dbSNP rs575439626, ClinGen allele CA4893400.
Genomic context (GRCh38, chr8:140,311,252, plus strand): 5'-AGAGGACGGTGTCCCAGAGGGCAGCTGCCTTTCCGGCTCTGCAGTGCCCATCTCACCTGA[C>T]GATGGGAAGCTTGGTGAAGGGCACCGGTGGCAGGGTGAGGCCGCCAGGGAGGGCGATGGG-3'
Protein context (NP_001153844.1, residues 530-550): PPVPFTKLPI[Val540Ile]RHVKLLNLPA

ClinVar aggregate classification (germline): Uncertain significance. Review status: criteria provided, multiple submitters, no conflicts (2 of 4 stars). 3 submissions from 3 submitters: Uncertain significance (3). Last evaluated 2026-07-31.

Conditions:
Inborn genetic diseases. Identifiers: MedGen C0950123, MeSH D030342.

Allele frequency attached by ClinVar (database versions not stated): gnomAD 0.00006; TOPMed 0.00006; ExAC 0.00010; 1000 Genomes Project 30x 0.00031; 1000 Genomes Project 0.00040.
gnomAD v4.1: 67 of 1,611,020 alleles (0.0042%); highest among the groups gnomAD compares: East Asian, 0.094%; no homozygotes.

Submissions (3):

GeneDx
Classification: Uncertain significance. Last evaluated: 2026-07-31. Review status: criteria provided, single submitter. Criteria: GeneDx Variant Classification Process June 2021. Collection method: clinical testing. Allele origin: germline.
Comment: In silico analysis suggests that this missense variant does not alter protein structure/function; Has not been previously published as pathogenic or benign to our knowledge

Ambry Genetics
Classification: Uncertain significance for Inborn genetic diseases. Last evaluated: 2025-06-10. Review status: criteria provided, single submitter. Criteria: Ambry Variant Classification Scheme 2023. Collection method: clinical testing. Allele origin: germline.

Labcorp Genetics (formerly Invitae), Labcorp
Classification: Uncertain significance. Last evaluated: 2022-07-01. Review status: criteria provided, single submitter. Criteria: Invitae Variant Classification Sherloc (09022015). Collection method: clinical testing. Allele origin: germline.
Comment: This sequence change replaces valine, which is neutral and non-polar, with isoleucine, which is neutral and non-polar, at codon 638 of the TRAPPC9 protein (p.Val638Ile). This variant is present in population databases (rs575439626, gnomAD 0.1%). This variant has not been reported in the literature in individuals affected with TRAPPC9-related conditions. Algorithms developed to predict the effect of missense changes on protein structure and function are either unavailable or do not agree on the potential impact of this missense change (SIFT: "Not Available"; PolyPhen-2: "Probably Damaging"; Align-GVGD: "Not Available"). In summary, the available evidence is currently insufficient to determine the role of this variant in disease. Therefore, it has been classified as a Variant of Uncertain Significance.